The following is an entry in ClinVar:

NM_000222.3(KIT):c.2180G>T (p.Gly727Val)

Gene: KIT (KIT proto-oncogene, receptor tyrosine kinase; plus strand). Cytogenetic location: 4q12.
Variant type: single nucleotide variant.
Coding change: c.2180G>T on transcript NM_000222.3 (MANE Select); coding-DNA position 2180, G replaced by T.
Protein change: p.Gly727Val; replaces glycine 727 with valine.
Molecular consequence: missense variant.
Genome position (GRCh38, 1-based): chr4:54,731,366, G>T. VCF-style: chr4-54731366-G-T. GRCh37 (hg19) VCF-style: chr4-55597532-G-T.
Other names: c.2168G>T, p.Gly723Val (NM_001093772.2, NM_001385292.1); c.2183G>T, p.Gly728Val (NM_001385284.1); c.2177G>T, p.Gly726Val (NM_001385285.1); c.2165G>T, p.Gly722Val (NM_001385286.1); c.2171G>T, p.Gly724Val (NM_001385288.1); c.2180G>T, p.Gly727Val (NM_001385290.1); c.2180G>T (NM_000222.2); short protein forms G722V, G723V, G724V, G726V, G727V, G728V.
Identifiers: ClinVar variation 1023471 (VCV001023471.8), dbSNP rs1722585375, ClinGen allele CA356910251.

ClinVar aggregate classification (germline): Uncertain significance. Review status: criteria provided, multiple submitters, no conflicts (2 of 4 stars). 2 submissions from 2 submitters: Uncertain significance (2). Last evaluated 2025-04-08.

Conditions:
Hereditary cancer-predisposing syndrome. Also called: Tumor predisposition; Neoplastic Syndromes, Hereditary; Hereditary neoplastic syndrome; Hereditary Cancer Syndrome. Identifiers: Orphanet 140162, MedGen C0027672, MeSH D009386, MONDO:0015356.
Gastrointestinal stromal tumor. Also called: Gastrointestinal stromal tumor, somatic; Gastrointestinal stroma tumor. Identifiers: Orphanet 44890, MedGen C0238198, MeSH D046152, MONDO:0011719, OMIM 606764, HP:0100723.

Allele frequency attached by ClinVar (database versions not stated): gnomAD exomes below 0.00001.
gnomAD v4.1: 1 of 1,613,474 alleles (0.000062%); highest among the groups gnomAD compares: African/African-American, 0.0013%; no homozygotes.

Submissions (2):

Labcorp Genetics (formerly Invitae), Labcorp
Classification: Uncertain significance for Gastrointestinal stromal tumor. Last evaluated: 2025-04-08. Review status: criteria provided, single submitter. Criteria: Invitae Variant Classification Sherloc (09022015). Collection method: clinical testing. Allele origin: germline.
Comment: This sequence change replaces glycine, which is neutral and non-polar, with valine, which is neutral and non-polar, at codon 727 of the KIT protein (p.Gly727Val). This variant is not present in population databases (gnomAD no frequency). This variant has not been reported in the literature in individuals affected with KIT-related conditions. ClinVar contains an entry for this variant (Variation ID: 1023471). An algorithm developed to predict the effect of missense changes on protein structure and function (PolyPhen-2) suggests that this variant is likely to be disruptive. In summary, the available evidence is currently insufficient to determine the role of this variant in disease. Therefore, it has been classified as a Variant of Uncertain Significance.

Ambry Genetics
Classification: Uncertain significance for Hereditary cancer-predisposing syndrome. Last evaluated: 2024-05-01. Review status: criteria provided, single submitter. Criteria: Ambry Variant Classification Scheme 2023. Collection method: clinical testing. Allele origin: germline.
Comment: The p.G727V variant (also known as c.2180G>T), located in coding exon 15 of the KIT gene, results from a G to T substitution at nucleotide position 2180. The glycine at codon 727 is replaced by valine, an amino acid with dissimilar properties. This amino acid position is conserved. In addition, the in silico prediction for this alteration is inconclusive. Based on the available evidence, the clinical significance of this variant remains unclear.